The following is an entry in ClinVar:

NM_000521.4(HEXB):c.881A>G (p.His294Arg)

Gene: HEXB (hexosaminidase subunit beta; plus strand). Cytogenetic location: 5q13.3.
Variant type: single nucleotide variant.
Coding change: c.881A>G on transcript NM_000521.4 (MANE Select); coding-DNA position 881, A replaced by G.
Protein change: p.His294Arg; replaces histidine 294 with arginine.
Molecular consequence: missense variant.
Genome position (GRCh38, 1-based): chr5:74,713,615, A>G. VCF-style: chr5-74713615-A-G. GRCh37 (hg19) VCF-style: chr5-74009440-A-G.
Other names: c.206A>G, p.His69Arg (NM_001292004.2); short protein forms H69R, H294R.
Identifiers: ClinVar variation 1407402 (VCV001407402.5), dbSNP rs1749605069, ClinGen allele CA360067185.

ClinVar aggregate classification (germline): Uncertain significance (1 of 4 stars; one submission).

Conditions:
Sandhoff disease. Also called: Beta-hexosaminidase-beta-subunit deficiency; GM2 gangliosidosis, type 2; Total hexosaminidase deficiency; Sandhoff-Jatzkewitz-Pilz disease; GM2-GANGLIOSIDOSIS, TYPE II; HEXOSAMINIDASES A AND B DEFICIENCY. Identifiers: Orphanet 796, MedGen C0036161, MONDO:0010006, OMIM 268800.

Allele frequency attached by ClinVar (database versions not stated): gnomAD exomes below 0.00001.
gnomAD v4.1: 1 of 1,613,380 alleles (0.000062%); highest among the groups gnomAD compares: Non-Finnish European, 0.000085%; no homozygotes.

Submission:

Labcorp Genetics (formerly Invitae), Labcorp
Classification: Uncertain significance for Sandhoff disease. Last evaluated: 2021-08-20. Review status: criteria provided, single submitter. Criteria: Invitae Variant Classification Sherloc (09022015). Collection method: clinical testing. Allele origin: germline.
Comment: This sequence change replaces histidine with arginine at codon 294 of the HEXB protein (p.His294Arg). The histidine residue is highly conserved and there is a small physicochemical difference between histidine and arginine. This variant is not present in population databases (ExAC no frequency). This variant has not been reported in the literature in individuals affected with HEXB-related conditions. Algorithms developed to predict the effect of missense changes on protein structure and function (SIFT, PolyPhen-2, Align-GVGD) all suggest that this variant is likely to be disruptive. In summary, the available evidence is currently insufficient to determine the role of this variant in disease. Therefore, it has been classified as a Variant of Uncertain Significance.